The following is an entry in ClinVar:

NM_000481.4(AMT):c.90+5G>C

Genes: AMT (aminomethyltransferase; minus strand), NICN1 (nicolin 1, tubulin polyglutamylase complex subunit; minus strand). Cytogenetic location: 3p21.31.
Variant type: single nucleotide variant.
Coding change: c.90+5G>C on transcript NM_000481.4 (MANE Select); 5 bases into the intron after coding-DNA position 90, G replaced by C.
Molecular consequence: intron variant. On other transcripts: 3 prime UTR variant (1).
Genome position (GRCh38, 1-based): chr3:49,422,356, C>G on the plus strand (G>C on the coding strand, the complement: AMT is on the minus strand). VCF-style: chr3-49422356-C-G. GRCh37 (hg19) VCF-style: chr3-49459789-C-G.
Other names: c.*2477G>C (NM_032316.3); c.90+5G>C (NM_001164711.2, NM_001164710.2, NM_001164712.2).
Identifiers: ClinVar variation 2169739 (VCV002169739.1), dbSNP rs1048913285, ClinGen allele CA74516611.

ClinVar aggregate classification (germline): Uncertain significance (1 of 4 stars; one submission).

Conditions:
Glycine encephalopathy. Also called: Non-ketotic hyperglycinemia; Nonketotic hyperglycinemia. Identifiers: Orphanet 407, MedGen C0751748, MONDO:0011612, HP:0008288.

Allele frequency attached by ClinVar (database versions not stated): gnomAD exomes below 0.00001; TOPMed 0.00001.
gnomAD v4.1: 2 of 1,414,652 alleles (0.00014%); highest among the groups gnomAD compares: African/African-American, 0.0029%; no homozygotes.

Submission:

Labcorp Genetics (formerly Invitae), Labcorp
Classification: Uncertain significance for Glycine encephalopathy. Last evaluated: 2022-04-10. Review status: criteria provided, single submitter. Criteria: Invitae Variant Classification Sherloc (09022015). Collection method: clinical testing. Allele origin: germline.
Comment: This sequence change falls in intron 1 of the AMT gene. It does not directly change the encoded amino acid sequence of the AMT protein. It affects a nucleotide within the consensus splice site. This variant is present in population databases (no rsID available, gnomAD 0.007%). This variant has not been reported in the literature in individuals affected with AMT-related conditions. Variants that disrupt the consensus splice site are a relatively common cause of aberrant splicing (PMID: 17576681, 9536098). Algorithms developed to predict the effect of sequence changes on RNA splicing suggest that this variant may disrupt the consensus splice site. In summary, the available evidence is currently insufficient to determine the role of this variant in disease. Therefore, it has been classified as a Variant of Uncertain Significance.

Literature cited by the submitters: PubMed 17576681; PubMed 9536098.